The following is an entry in ClinVar:

NM_000492.4(CFTR):c.360G>A (p.Ala120=)

Gene: CFTR (CF transmembrane conductance regulator; plus strand). Cytogenetic location: 7q31.2.
Variant type: single nucleotide variant.
Coding change: c.360G>A on transcript NM_000492.4 (MANE Select); coding-DNA position 360, G replaced by A.
Protein change: p.Ala120=; no amino-acid change (alanine 120 retained).
Molecular consequence: synonymous variant.
Genome position (GRCh38, 1-based): chr7:117,530,985, G>A. VCF-style: chr7-117530985-G-A. GRCh37 (hg19) VCF-style: chr7-117171039-G-A.
Other names: p.Ala120=.
Identifiers: ClinVar variation 493462 (VCV000493462.77), dbSNP rs1800077, ClinGen allele CA500005.
Genomic context (GRCh38, chr7:117,530,985, plus strand): 5'-CTTACTGGGAAGAATCATAGCTTCCTATGACCCGGATAACAAGGAGGAACGCTCTATCGC[G>A]ATTTATCTAGGCATAGGCTTATGCCTTCTCTTTATTGTGAGGACACTGCTCCTACACCCA-3'
Protein context (NP_000483.3, residues 110-130): DPDNKEERSI[Ala120=]IYLGIGLCLL

ClinVar aggregate classification (germline): Conflicting classifications of pathogenicity. Review status: criteria provided, conflicting classifications (1 of 4 stars). 13 submissions from 13 submitters: Uncertain significance (3); Likely benign (8). 2 of the submissions do not count toward it. Last evaluated 2026-01-03.

Conditions:
CFTR-related disorder (CFTR-RD). Also called: CFTR-related disorders; CFTR-related condition. Identifiers: MedGen C5924204, MONDO:7770004.
Cystic fibrosis (CF). Also called: MUCOVISCIDOSIS. Identifiers: Orphanet 586, MedGen C0010674, MONDO:0009061, OMIM 219700. Disease mechanism: loss of function.

Allele frequency attached by ClinVar (database versions not stated): gnomAD exomes 0.00006; ExAC 0.00010; TOPMed 0.00011; gnomAD 0.00015; 1000 Genomes Project 30x 0.00016; 1000 Genomes Project 0.00020.
gnomAD v4.1: 68 of 1,613,684 alleles (0.0042%); highest among the groups gnomAD compares: African/African-American, 0.068%; no homozygotes.

Submissions (13):

Labcorp Genetics (formerly Invitae), Labcorp
Classification: Likely benign for Cystic fibrosis. Last evaluated: 2026-01-03. Review status: criteria provided, single submitter. Criteria: Invitae Variant Classification Sherloc (09022015). Collection method: clinical testing. Allele origin: germline.

Mayo Clinic Laboratories, Mayo Clinic
Classification: Likely benign. Last evaluated: 2025-08-14. Review status: criteria provided, single submitter. Criteria: ACMG Guidelines, 2015. Collection method: clinical testing. Allele origin: germline. Observed: 1 variant allele.
Comment: BP4, BP7

Blueprint Genetics
Classification: Likely benign. Last evaluated: 2024-09-02. Review status: criteria provided, single submitter. Criteria: ACMG Guidelines, 2015. Collection method: clinical testing. Allele origin: germline.

Genome-Nilou Lab
Classification: Likely benign for Cystic fibrosis. Last evaluated: 2021-07-22. Review status: criteria provided, single submitter. Criteria: ACMG Guidelines, 2015. Collection method: clinical testing. Allele origin: germline. Affected: no.

Quest Diagnostics Nichols Institute San Juan Capistrano
Classification: Likely benign. Last evaluated: 2020-06-23. Review status: criteria provided, single submitter. Criteria: Quest Diagnostics criteria. Collection method: clinical testing. Allele origin: unknown.

Women's Health and Genetics/Laboratory Corporation of America, LabCorp
Classification: Likely benign. Last evaluated: 2019-08-28. Review status: criteria provided, single submitter. Criteria: LabCorp Variant Classification Summary - May 2015. Collection method: clinical testing. Allele origin: germline.

ARUP Laboratories, Molecular Genetics and Genomics, ARUP Laboratories
Classification: Likely benign. Last evaluated: 2018-07-03. Review status: criteria provided, single submitter. Criteria: ARUP Molecular Germline Variant Investigation Process. Collection method: clinical testing. Allele origin: germline.

Ambry Genetics
Classification: Likely benign for Cystic fibrosis. Last evaluated: 2018-05-11. Review status: criteria provided, single submitter. Criteria: Ambry Variant Classification Scheme 2023. Collection method: clinical testing. Allele origin: germline.

CeGaT Center for Human Genetics Tuebingen
Classification: Uncertain significance. Last evaluated: 2017-10-01. Review status: criteria provided, single submitter. Criteria: CeGaT Center For Human Genetics Tuebingen Variant Classification Criteria Version 2. Collection method: clinical testing. Allele origin: germline. Affected: yes. Observed: 1 variant allele.

Eurofins Ntd Llc (ga)
Classification: Uncertain significance. Last evaluated: 2017-06-12. Review status: criteria provided, single submitter. Criteria: EGL Classification Definitions 2015. Collection method: clinical testing. Allele origin: germline. Observed: 4 variant alleles, 4 heterozygotes.

Illumina Laboratory Services, Illumina
Classification: Uncertain significance for CFTR-Related Disorders. Last evaluated: 2017-04-28. Review status: criteria provided, single submitter. Criteria: ICSL Variant Classification Criteria 13 December 2019. Collection method: clinical testing. Allele origin: germline.
Comment: This variant was observed as part of a predisposition screen in an ostensibly healthy population. A literature search was performed for the gene, cDNA change, and amino acid change (where applicable). Publications were found based on this search. However, the evidence from the literature, in combination with allele frequency data from public databases where available, was not sufficient to rule this variant in or out of causing disease. Therefore, this variant is classified as a variant of unknown significance.

PreventionGenetics, part of Exact Sciences
Classification: Likely benign for CFTR-related condition. Last evaluated: 2021-12-30. Review status: no assertion criteria provided. Collection method: clinical testing. Allele origin: germline. Not counted in ClinVar's aggregate classification.
Comment: This variant is classified as likely benign based on ACMG/AMP sequence variant interpretation guidelines (Richards et al. 2015 PMID: 25741868, with internal and published modifications).

Natera, Inc.
Classification: Likely benign for CFTR-related disorders. Last evaluated: 2018-05-24. Review status: no assertion criteria provided. Collection method: clinical testing. Allele origin: germline. Not counted in ClinVar's aggregate classification.

Literature cited by the submitters: PubMed 26436105 (cited by 3 submitters).